The following is an entry in ClinVar:

NM_000145.4(FSHR):c.163C>T (p.Leu55Phe)

Gene: FSHR (follicle stimulating hormone receptor; minus strand). Cytogenetic location: 2p16.3.
Variant type: single nucleotide variant.
Coding change: c.163C>T on transcript NM_000145.4 (MANE Select); coding-DNA position 163, C replaced by T.
Protein change: p.Leu55Phe; replaces leucine 55 with phenylalanine.
Molecular consequence: missense variant.
Genome position (GRCh38, 1-based): chr2:49,068,280, G>A on the plus strand (C>T on the coding strand, the complement: FSHR is on the minus strand). VCF-style: chr2-49068280-G-A. GRCh37 (hg19) VCF-style: chr2-49295419-G-A.
Other names: c.163C>T, p.Leu55Phe (NM_181446.3); short protein forms L55F.
Identifiers: ClinVar variation 3897429 (VCV003897429.1).
Genomic context (GRCh38, chr2:49,068,280, plus strand): 5'-TTTTCTCCAGGTCCCCAAATCCTGAAAATGCACCTTTTTGGATGACTCGAAGCTTGGTGA[G>A]GACAAACCTCCTGCAAAGAGAGTAGAAATAAAATATCACAACCTATCCATTAATAAGTAA-3'
Protein context (NP_000136.2, residues 45-65): PRNAIELRFV[Leu55Phe]TKLRVIQKGA

ClinVar aggregate classification (germline): Uncertain significance (1 of 4 stars; one submission).

Submission:

GeneDx
Classification: Uncertain significance. Last evaluated: 2024-10-30. Review status: criteria provided, single submitter. Criteria: GeneDx Variant Classification Process June 2021. Collection method: clinical testing. Allele origin: germline. Affected: yes.
Comment: Not observed at significant frequency in large population cohorts (gnomAD); In silico analysis indicates that this missense variant does not alter protein structure/function; Has not been previously published as pathogenic or benign to our knowledge